The following is an entry in ClinVar:

ClinVar aggregate classification (germline): Likely pathogenic (1 of 4 stars; one submission).

Conditions:
Hypertrophic cardiomyopathy 2. Also called: TNNT2-Related Familial Hypertrophic Cardiomyopathy. Identifiers: MedGen C1861864, MONDO:0007266, OMIM 115195.
Cardiomyopathy, familial restrictive, 3. Identifiers: Orphanet 75249, MedGen C2676271, MONDO:0012900, OMIM 612422.
Dilated cardiomyopathy 1D. Identifiers: Orphanet 154, Orphanet 54260, MedGen C1832243, MONDO:0011095, OMIM 601494.

Allele frequency attached by ClinVar (database versions not stated): TOPMed below 0.00001; gnomAD exomes 0.00001; ESP Exome Variant Server 0.00008.
gnomAD v4.1: 7 of 1,614,184 alleles (0.00043%); highest among the groups gnomAD compares: Non-Finnish European, 0.00059%; no homozygotes.

Submission:

Labcorp Genetics (formerly Invitae), Labcorp
Classification: Likely pathogenic for Cardiomyopathy, familial restrictive, 3; Hypertrophic cardiomyopathy 2; Dilated cardiomyopathy 1D. Last evaluated: 2025-12-31. Review status: criteria provided, single submitter. Criteria: Invitae Variant Classification Sherloc (09022015). Collection method: clinical testing. Allele origin: germline.
Comment: This sequence change replaces serine, which is neutral and polar, with alanine, which is neutral and non-polar, at codon 179 of the TNNT2 protein (p.Ser179Ala). This variant is not present in population databases (gnomAD no frequency). This missense change has been observed in individual(s) with clinical features of hypertrophic cardiomyopathy (internal data). ClinVar contains an entry for this variant (Variation ID: 469526). Invitae Evidence Modeling of protein sequence and biophysical properties (such as structural, functional, and spatial information, amino acid conservation, physicochemical variation, residue mobility, and thermodynamic stability) indicates that this missense variant is not expected to disrupt TNNT2 protein function with a negative predictive value of 80%. This variant disrupts the p.Ser179 amino acid residue in TNNT2. Other variant(s) that disrupt this residue have been determined to be pathogenic (PMID: 11034944, 27532257). This suggests that this residue is clinically significant, and that variants that disrupt this residue are likely to be disease-causing. In summary, the currently available evidence indicates that the variant is pathogenic, but additional data are needed to prove that conclusively. Therefore, this variant has been classified as Likely Pathogenic.

Literature cited by the submitters: PubMed 11034944; PubMed 27532257.

NM_001276345.2(TNNT2):c.565T>G (p.Ser189Ala)

Gene: TNNT2 (troponin T2, cardiac type; minus strand). Cytogenetic location: 1q32.1.
Variant type: single nucleotide variant.
Coding change: c.565T>G on transcript NM_001276345.2 (MANE Select); coding-DNA position 565, T replaced by G.
Protein change: p.Ser189Ala; replaces serine 189 with alanine.
Molecular consequence: missense variant.
Genome position (GRCh38, 1-based): chr1:201,363,331, A>C on the plus strand (T>G on the coding strand, the complement: TNNT2 is on the minus strand). VCF-style: chr1-201363331-A-C. GRCh37 (hg19) VCF-style: chr1-201332459-A-C.
Other names: c.565T>G, p.Ser189Ala (NM_000364.4); c.535T>G, p.Ser179Ala (NM_001001430.3, NM_001001431.3, NM_001276347.2); c.520T>G, p.Ser174Ala (NM_001001432.3); c.445T>G, p.Ser149Ala (NM_001276346.2); short protein forms S179A, S189A, S149A, S174A.
Identifiers: ClinVar variation 469526 (VCV000469526.8), dbSNP rs377157235, ClinGen allele CA35420183.